The following is an entry in ClinVar:

NM_021267.5(CERS1):c.709G>T (p.Ala237Ser)

Genes: CERS1 (ceramide synthase 1; minus strand), GDF1 (growth differentiation factor 1; minus strand). Cytogenetic location: 19p13.11.
Variant type: single nucleotide variant.
Coding change: c.709G>T on transcript NM_021267.5 (MANE Select); coding-DNA position 709, G replaced by T.
Protein change: p.Ala237Ser; replaces alanine 237 with serine.
Molecular consequence: missense variant. On other transcripts: 5 prime UTR variant (1), intron variant (1).
Genome position (GRCh38, 1-based): chr19:18,880,317, C>A on the plus strand (G>T on the coding strand, the complement: CERS1 is on the minus strand). VCF-style: chr19-18880317-C-A. GRCh37 (hg19) VCF-style: chr19-18991126-C-A.
Other names: c.415G>T, p.Ala139Ser (NM_001290265.2, NM_001387442.1, NM_001387443.1 and 2 more transcripts); c.709G>T, p.Ala237Ser (NM_001387439.1, NM_001387440.1, NM_198207.3); c.664G>T, p.Ala222Ser (NM_001387441.1); c.-614G>T (NM_001492.6); c.-313+3770G>T (NM_001387438.1); short protein forms A222S, A139S, A237S.
Identifiers: ClinVar variation 1385162 (VCV001385162.6), dbSNP rs368637790, ClinGen allele CA404866165.

ClinVar aggregate classification (germline): Uncertain significance (1 of 4 stars; one submission).

Conditions:
Progressive myoclonic epilepsy type 8. Identifiers: Orphanet 424027, MedGen C5190825, MONDO:0014545, OMIM 616230.

Submission:

Labcorp Genetics (formerly Invitae), Labcorp
Classification: Uncertain significance for Progressive myoclonic epilepsy type 8. Last evaluated: 2021-10-07. Review status: criteria provided, single submitter. Criteria: Invitae Variant Classification Sherloc (09022015). Collection method: clinical testing. Allele origin: germline.
Comment: In summary, the available evidence is currently insufficient to determine the role of this variant in disease. Therefore, it has been classified as a Variant of Uncertain Significance. Algorithms developed to predict the effect of missense changes on protein structure and function (SIFT, PolyPhen-2, Align-GVGD) all suggest that this variant is likely to be tolerated. This variant has not been reported in the literature in individuals affected with CERS1-related conditions. This variant is not present in population databases (ExAC no frequency). This sequence change replaces alanine with serine at codon 237 of the CERS1 protein (p.Ala237Ser). The alanine residue is weakly conserved and there is a moderate physicochemical difference between alanine and serine.